The following is an entry in ClinVar:

NM_000719.7(CACNA1C):c.4793T>C (p.Met1598Thr)

Gene: CACNA1C (calcium voltage-gated channel subunit alpha1 C; plus strand). Cytogenetic location: 12p13.33.
Variant type: single nucleotide variant.
Coding change: c.4793T>C on transcript NM_000719.7 (MANE Select); coding-DNA position 4793, T replaced by C.
Protein change: p.Met1598Thr; replaces methionine 1598 with threonine.
Molecular consequence: missense variant.
Genome position (GRCh38, 1-based): chr12:2,674,607, T>C. VCF-style: chr12-2674607-T-C. GRCh37 (hg19) VCF-style: chr12-2783773-T-C.
Other names: c.4937T>C, p.Met1646Thr (NM_001129827.2, NM_199460.4); c.4916T>C, p.Met1639Thr (NM_001129829.2); c.4793T>C, p.Met1598Thr (NM_001129830.3, NM_001129840.2, NM_001129841.2 and 4 more transcripts); c.4877T>C, p.Met1626Thr (NM_001129831.2); c.4853T>C, p.Met1618Thr (NM_001129832.2); c.4850T>C, p.Met1617Thr (NM_001129833.2, NM_001129834.2, NM_001129835.2); c.4844T>C, p.Met1615Thr (NM_001129836.2); c.4817T>C, p.Met1606Thr (NM_001129837.2, NM_001129838.2); and 3 more; short protein forms M1595T, M1618T, M1639T, M1646T, M1598T, M1587T, M1604T, M1606T.
Identifiers: ClinVar variation 1416667 (VCV001416667.6), dbSNP rs2153756848, ClinGen allele CA383377796.

ClinVar aggregate classification (germline): Uncertain significance (1 of 4 stars; one submission).

Conditions:
Long QT syndrome (LQTS). Identifiers: MedGen C0023976, MeSH D008133, MONDO:0002442. Disease mechanism: loss of function. Inheritance: Various modes of inheritance.

Submission:

Labcorp Genetics (formerly Invitae), Labcorp
Classification: Uncertain significance for Long QT syndrome. Last evaluated: 2021-10-15. Review status: criteria provided, single submitter. Criteria: Invitae Variant Classification Sherloc (09022015). Collection method: clinical testing. Allele origin: germline.
Comment: In summary, the available evidence is currently insufficient to determine the role of this variant in disease. Therefore, it has been classified as a Variant of Uncertain Significance. Algorithms developed to predict the effect of missense changes on protein structure and function are either unavailable or do not agree on the potential impact of this missense change (SIFT: "Tolerated"; PolyPhen-2: "Probably Damaging"; Align-GVGD: "Class C0"). This variant has not been reported in the literature in individuals affected with CACNA1C-related conditions. This variant is not present in population databases (ExAC no frequency). This sequence change replaces methionine with threonine at codon 1598 of the CACNA1C protein (p.Met1598Thr). The methionine residue is highly conserved and there is a moderate physicochemical difference between methionine and threonine.